The following is an entry in ClinVar:

NM_145868.2(ANXA11):c.93G>A (p.Pro31=)

Gene: ANXA11 (annexin A11; minus strand). Cytogenetic location: 10q22.3.
Variant type: single nucleotide variant.
Coding change: c.93G>A on transcript NM_145868.2 (MANE Select); coding-DNA position 93, G replaced by A.
Protein change: p.Pro31=; no amino-acid change (proline 31 retained).
Molecular consequence: synonymous variant. On other transcripts: 5 prime UTR variant (1).
Genome position (GRCh38, 1-based): chr10:80,170,878, C>T on the plus strand (G>A on the coding strand, the complement: ANXA11 is on the minus strand). VCF-style: chr10-80170878-C-T. GRCh37 (hg19) VCF-style: chr10-81930634-C-T.
Other names: c.93G>A, p.Pro31= (NM_001157.3, NM_001278407.2, NM_001278408.2 and 1 more transcripts); c.-7G>A (NM_001278409.2); c.93G>A (NM_145869.1).
Identifiers: ClinVar variation 1595616 (VCV001595616.10), dbSNP rs139801764, ClinGen allele CA5576393.

ClinVar aggregate classification (germline): Likely benign. Review status: criteria provided, single submitter (1 of 4 stars). 2 submissions from 2 submitters: Likely benign (1). 1 of the submissions does not count toward it. Last evaluated 2025-11-01.

Conditions:
ANXA11-related disorder. Also called: ANXA11-related condition.

Allele frequency attached by ClinVar (database versions not stated): gnomAD 0.00011 and 0.00012; ExAC 0.00013; TOPMed 0.00018; ESP Exome Variant Server 0.00023.
gnomAD v4.1: 126 of 1,566,560 alleles (0.008%); highest among the groups gnomAD compares: Admixed American, 0.033%; no homozygotes.

Submissions (2):

Labcorp Genetics (formerly Invitae), Labcorp
Classification: Likely benign. Last evaluated: 2025-11-01. Review status: criteria provided, single submitter. Criteria: Invitae Variant Classification Sherloc (09022015). Collection method: clinical testing. Allele origin: germline.

PreventionGenetics, part of Exact Sciences
Classification: Likely benign for ANXA11-related condition. Last evaluated: 2019-08-27. Review status: no assertion criteria provided. Collection method: clinical testing. Allele origin: germline. Not counted in ClinVar's aggregate classification.
Comment: This variant is classified as likely benign based on ACMG/AMP sequence variant interpretation guidelines (Richards et al. 2015 PMID: 25741868, with internal and published modifications).